The following is an entry in ClinVar:

NM_006361.6(HOXB13):c.325_333del (p.Tyr109_Ala111del)

Gene: HOXB13 (homeobox B13; minus strand). Cytogenetic location: 17q21.32.
Variant type: Deletion.
Coding change: c.325_333del on transcript NM_006361.6 (MANE Select); coding-DNA positions 325 to 333, 9 bases deleted (TACCCCGCG; older notation c.325_333delTACCCCGCG).
Protein change: p.Tyr109_Ala111del.
Molecular consequence: inframe deletion.
Genome position (GRCh38, 1-based): chr17:48,728,261-48,728,269, CGCGGGGTA deleted on the plus strand (TACCCCGCG on the coding strand, the reverse complement: HOXB13 is on the minus strand); deleting any 9 consecutive bases within chr17:48,728,261-48,728,274 gives the same sequence; the c. name uses the placement nearest the transcript's 3' end. VCF-style (leftmost placement, unchanged base first): chr17-48728260-CCGCGGGGTA-C. GRCh37 (hg19) VCF-style: chr17-46805622-CCGCGGGGTA-C.
Identifiers: ClinVar variation 2004140 (VCV002004140.4), dbSNP rs2509515314, ClinGen allele CA2580094163.

ClinVar aggregate classification (germline): Uncertain significance (1 of 4 stars; one submission).

Submission:

Labcorp Genetics (formerly Invitae), Labcorp
Classification: Uncertain significance. Last evaluated: 2022-06-10. Review status: criteria provided, single submitter. Criteria: Invitae Variant Classification Sherloc (09022015). Collection method: clinical testing. Allele origin: germline.
Comment: This variant is not present in population databases (gnomAD no frequency). In summary, the available evidence is currently insufficient to determine the role of this variant in disease. Therefore, it has been classified as a Variant of Uncertain Significance. Experimental studies and prediction algorithms are not available or were not evaluated, and the functional significance of this variant is currently unknown. This variant has not been reported in the literature in individuals affected with HOXB13-related conditions. This variant, c.325_333del, results in the deletion of 3 amino acid(s) of the HOXB13 protein (p.Tyr109_Ala111del), but otherwise preserves the integrity of the reading frame.